The following is an entry in ClinVar:

ClinVar aggregate classification (germline): Conflicting classifications of pathogenicity. Review status: criteria provided, conflicting classifications (1 of 4 stars). 10 submissions from 9 submitters: Uncertain significance (3); Benign (3); Likely benign (4). Last evaluated 2026-01-21.

Conditions:
Kidney disorder. Also called: Nephropathy; Kidney disease; Kidney Diseases; renal disorder; renal disease. Identifiers: MedGen C0022658, MONDO:0005240, HP:0000112.
Cholestasis. Identifiers: MedGen C0008370, MONDO:0001751, HP:0001396.
Nephronophthisis. Also called: Juvenile Nephronophthisis. Identifiers: Orphanet 655, MedGen C0687120, MONDO:0019005, HP:0000090.
Senior-Loken syndrome 4 (SLSN4). Identifiers: Orphanet 3156, MedGen C1846979, MONDO:0011756, OMIM 606996.
Nephronophthisis 4 (NPHP4). Also called: NEPHRONOPHTHISIS 4, JUVENILE. Identifiers: Orphanet 655, MedGen C1847013, MONDO:0011752, OMIM 606966.

Allele frequency attached by ClinVar (database versions not stated): 1000 Genomes Project 30x 0.00109; 1000 Genomes Project 0.00120; TOPMed 0.00238; gnomAD 0.00200 and 0.00195; ExAC 0.00233; ESP Exome Variant Server 0.00317; gnomAD exomes 0.00244.
gnomAD v4.1: 5,415 of 1,609,654 alleles (0.34%); highest among the groups gnomAD compares: Non-Finnish European, 0.41%; 14 homozygotes.

Submissions (10):

Labcorp Genetics (formerly Invitae), Labcorp
Classification: Benign for Nephronophthisis. Last evaluated: 2026-01-21. Review status: criteria provided, single submitter. Criteria: Invitae Variant Classification Sherloc (09022015). Collection method: clinical testing. Allele origin: germline.

CeGaT Center for Human Genetics Tuebingen
Classification: Likely benign. Last evaluated: 2025-08-01. Review status: criteria provided, single submitter. Criteria: CeGaT Center For Human Genetics Tuebingen Variant Classification Criteria Version 2. Collection method: clinical testing. Allele origin: germline. Affected: yes. Observed: 2 variant alleles.
Comment: NPHP4: BS2

Blueprint Genetics
Classification: Likely benign. Last evaluated: 2024-11-15. Review status: criteria provided, single submitter. Criteria: ACMG Guidelines, 2015. Collection method: clinical testing. Allele origin: germline.

Mayo Clinic Laboratories, Mayo Clinic
Classification: Uncertain significance. Last evaluated: 2023-05-18. Review status: criteria provided, single submitter. Criteria: ACMG Guidelines, 2015. Collection method: clinical testing. Allele origin: germline. Observed: 5 variant alleles.
Comment: BS1

Genetics and Molecular Pathology, SA Pathology
Classification: Uncertain significance for Cholestasis. Last evaluated: 2019-11-29. Review status: criteria provided, single submitter. Criteria: ACMG Guidelines, 2015. Collection method: clinical testing. Allele origin: germline. Inheritance: Autosomal recessive inheritance. Affected: yes.

Mendelics
Classification: Benign for Nephronophthisis 4. Last evaluated: 2019-05-28. Review status: criteria provided, single submitter. Criteria: Mendelics Assertion Criteria 2017. Collection method: clinical testing. Allele origin: unknown.

Illumina Laboratory Services, Illumina
Classification: Uncertain significance for Nephronophthisis 4. Last evaluated: 2017-04-27. Review status: criteria provided, single submitter. Criteria: ICSL Variant Classification Criteria 13 December 2019. Collection method: clinical testing. Allele origin: germline.

Illumina Laboratory Services, Illumina
Classification: Likely benign for Senior-Loken syndrome 4. Last evaluated: 2017-04-27. Review status: criteria provided, single submitter. Criteria: ICSL Variant Classification Criteria 13 December 2019. Collection method: clinical testing. Allele origin: germline.
Comment: This variant was observed as part of a predisposition screen in an ostensibly healthy population. A literature search was performed for the gene, cDNA change, and amino acid change (where applicable). No publications were found based on this search. Allele frequency data from public databases allowed determination this variant is unlikely to cause disease. Therefore, this variant is classified as likely benign.

Genome Diagnostics Laboratory, The Hospital for Sick Children
Classification: Likely benign for Kidney disorder. Last evaluated: 2016-12-12. Review status: criteria provided, single submitter. Criteria: ACMG Guidelines, 2015. Collection method: clinical testing. Allele origin: germline.

Eurofins Ntd Llc (ga)
Classification: Benign. Last evaluated: 2014-03-11. Review status: criteria provided, single submitter. Criteria: EGL Classification Definitions 2015. Collection method: clinical testing. Allele origin: germline. Observed: 2 variant alleles, 2 heterozygotes.

Literature cited by the submitters: PubMed 15776426 (cited by Mayo Clinic Laboratories, Mayo Clinic); PubMed 22550138 (cited by Mayo Clinic Laboratories, Mayo Clinic); PubMed 28700940 (cited by Mayo Clinic Laboratories, Mayo Clinic).

NM_015102.5(NPHP4):c.2882G>A (p.Arg961His)

Gene: NPHP4 (nephrocystin 4; minus strand). Cytogenetic location: 1p36.31.
Variant type: single nucleotide variant.
Coding change: c.2882G>A on transcript NM_015102.5 (MANE Select); coding-DNA position 2882, G replaced by A.
Protein change: p.Arg961His; replaces arginine 961 with histidine.
Molecular consequence: missense variant. On other transcripts: non-coding transcript variant (1).
Genome position (GRCh38, 1-based): chr1:5,875,036, C>T on the plus strand (G>A on the coding strand, the complement: NPHP4 is on the minus strand). VCF-style: chr1-5875036-C-T. GRCh37 (hg19) VCF-style: chr1-5935096-C-T.
Other names: c.1343G>A, p.Arg448His (NM_001291593.2); c.1346G>A, p.Arg449His (NM_001291594.2); short protein forms R961H, R448H, R449H.
Identifiers: ClinVar variation 167373 (VCV000167373.64), dbSNP rs183885357, ClinGen allele CA333575.
Genomic context (GRCh38, chr1:5,875,036, plus strand): 5'-AGCGTGTGCTCCGTGGTGATGGCCAGGCTCAGCAGGCTGGCGATGCTCTCGGCCTTCGTG[C>T]GTTCCCGGTAGGCGGCGATGACCTGTAGGTCCCGCAAGTGCTGTGTGCGGACGCTCTGCT-3'
Protein context (NP_055917.1, residues 951-971): DLQVIAAYRE[Arg961His]TKAESIASLL